The following is an entry in ClinVar:

ClinVar aggregate classification (germline): Uncertain significance (1 of 4 stars; one submission).

Allele frequency attached by ClinVar (database versions not stated): gnomAD exomes below 0.00001 and 0.00001; TOPMed 0.00001.
gnomAD v4.1: 3 of 1,613,648 alleles (0.00019%); highest among the groups gnomAD compares: East Asian, 0.0022%; no homozygotes.

Submission:

Labcorp Genetics (formerly Invitae), Labcorp
Classification: Uncertain significance. Last evaluated: 2023-05-20. Review status: criteria provided, single submitter. Criteria: Invitae Variant Classification Sherloc (09022015). Collection method: clinical testing. Allele origin: germline.
Comment: Advanced modeling of protein sequence and biophysical properties (such as structural, functional, and spatial information, amino acid conservation, physicochemical variation, residue mobility, and thermodynamic stability) performed at Invitae indicates that this missense variant is not expected to disrupt NEDD4L protein function. In summary, the available evidence is currently insufficient to determine the role of this variant in disease. Therefore, it has been classified as a Variant of Uncertain Significance. ClinVar contains an entry for this variant (Variation ID: 1043422). This variant has not been reported in the literature in individuals affected with NEDD4L-related conditions. This variant is present in population databases (no rsID available, gnomAD 0.006%). This sequence change replaces alanine, which is neutral and non-polar, with threonine, which is neutral and polar, at codon 806 of the NEDD4L protein (p.Ala806Thr).

NM_001144967.3(NEDD4L):c.2476G>A (p.Ala826Thr)

Gene: NEDD4L (NEDD4 like E3 ubiquitin protein ligase; plus strand). Cytogenetic location: 18q21.31.
Variant type: single nucleotide variant.
Coding change: c.2476G>A on transcript NM_001144967.3 (MANE Select); coding-DNA position 2476, G replaced by A.
Protein change: p.Ala826Thr; replaces alanine 826 with threonine.
Molecular consequence: missense variant.
Genome position (GRCh38, 1-based): chr18:58,385,575, G>A. VCF-style: chr18-58385575-G-A. GRCh37 (hg19) VCF-style: chr18-56052807-G-A.
Other names: c.2113G>A, p.Ala705Thr (NM_001144964.1, NM_001144965.2, NM_001144966.3); c.2452G>A, p.Ala818Thr (NM_001144968.2); c.2392G>A, p.Ala798Thr (NM_001144969.2); c.2053G>A, p.Ala685Thr (NM_001144970.3, NM_001144971.2); c.2284G>A, p.Ala762Thr (NM_001243960.2); c.2416G>A, p.Ala806Thr (NM_015277.6); short protein forms A798T, A806T, A818T, A826T, A762T, A685T, A705T.
Identifiers: ClinVar variation 1043422 (VCV001043422.8), dbSNP rs1254034796, ClinGen allele CA402556436.
Genomic context (GRCh38, chr18:58,385,575, plus strand): 5'-TTCTCCTGCAGCTTAGTCATCCAGTGGAGATTTGTGAACAGGGTCCAGAAGCAGATGAAC[G>A]CCTTCTTGGAGGTAAGCCATGCTGGCCAGGGTTCTCTGCCATGTGCCTCTGGTCCCGGGT-3'
Protein context (NP_001138439.1, residues 816-836): FVNRVQKQMN[Ala826Thr]FLEGFTELLP